The following is an entry in ClinVar:

NM_006044.4(HDAC6):c.3214G>C (p.Gly1072Arg)

Gene: HDAC6 (histone deacetylase 6; plus strand). Cytogenetic location: Xp11.23.
Variant type: single nucleotide variant.
Coding change: c.3214G>C on transcript NM_006044.4 (MANE Select); coding-DNA position 3214, G replaced by C.
Protein change: p.Gly1072Arg; replaces glycine 1072 with arginine.
Molecular consequence: missense variant. On other transcripts: non-coding transcript variant (1).
Genome position (GRCh38, 1-based): chrX:48,823,696, G>C. VCF-style: chrX-48823696-G-C. GRCh37 (hg19) VCF-style: chrX-48682106-G-C.
Other names: c.3256G>C, p.Gly1086Arg (NM_001321225.2); c.3214G>C, p.Gly1072Arg (NM_001321226.2, NM_001321227.2, NM_001321228.2 and 1 more transcripts); short protein forms G1072R, G1086R.
Identifiers: ClinVar variation 2660477 (VCV002660477.24), dbSNP rs782397073, ClinGen allele CA10405398.

ClinVar aggregate classification (germline): Likely benign (1 of 4 stars; one submission).

Allele frequency attached by ClinVar (database versions not stated): ExAC 0.00001; gnomAD exomes 0.00001; TOPMed 0.00005; gnomAD 0.00006; 1000 Genomes Project 30x 0.00021; 1000 Genomes Project 0.00026.
gnomAD v4.1: 19 of 1,207,110 alleles (0.0016%); highest among the groups gnomAD compares: African/African-American, 0.032%; no homozygotes.

Submission:

CeGaT Center for Human Genetics Tuebingen
Classification: Likely benign. Last evaluated: 2023-03-01. Review status: criteria provided, single submitter. Criteria: CeGaT Center For Human Genetics Tuebingen Variant Classification Criteria Version 2. Collection method: clinical testing. Allele origin: germline. Affected: yes. Observed: 1 variant allele.
Comment: HDAC6: BP4